The following is an entry in ClinVar:

ClinVar aggregate classification (germline): Uncertain significance. Review status: criteria provided, multiple submitters, no conflicts (2 of 4 stars). 2 submissions from 2 submitters: Uncertain significance (2). Last evaluated 2025-07-30.

Allele frequency attached by ClinVar (database versions not stated): gnomAD exomes below 0.00001.

Submissions (2):

GeneDx
Classification: Uncertain significance. Last evaluated: 2025-07-30. Review status: criteria provided, single submitter. Criteria: GeneDx Variant Classification Process June 2021. Collection method: clinical testing. Allele origin: germline. Affected: yes.
Comment: Frameshift variant predicted to result in abnormal protein length as the last 4 amino acid(s) are replaced with 11 different amino acid(s); Not observed at significant frequency in large population cohorts (gnomAD); Has not been previously published as pathogenic or benign to our knowledge

Labcorp Genetics (formerly Invitae), Labcorp
Classification: Uncertain significance. Last evaluated: 2023-08-30. Review status: criteria provided, single submitter. Criteria: Invitae Variant Classification Sherloc (09022015). Collection method: clinical testing. Allele origin: germline.
Comment: In summary, the available evidence is currently insufficient to determine the role of this variant in disease. Therefore, it has been classified as a Variant of Uncertain Significance. Experimental studies and prediction algorithms are not available or were not evaluated, and the functional significance of this variant is currently unknown. This variant has not been reported in the literature in individuals affected with EMC1-related conditions. This variant is present in population databases (no rsID available, gnomAD 0.003%). This sequence change results in a frameshift in the EMC1 gene (p.Arg990Profs*12). While this is not anticipated to result in nonsense mediated decay, it is expected to disrupt the last 4 amino acid(s) of the EMC1 protein and extend the protein by 7 additional amino acid residues.

NM_015047.3(EMC1):c.2968dup (p.Arg990fs)

Genes: EMC1 (ER membrane protein complex subunit 1; minus strand), EMC1-AS1 (EMC1 antisense RNA 1; plus strand). Cytogenetic location: 1p36.13.
Variant type: Duplication.
Coding change: c.2968dup on transcript NM_015047.3 (MANE Select); coding-DNA position 2968, one base duplicated (C; older notation c.2968dupC).
Protein change: p.Arg990fs; shifts the reading frame from arginine 990.
Molecular consequence: frameshift variant.
Genome position (GRCh38, 1-based): chr1:19,219,317, G duplicated on the plus strand (C on the coding strand, the reverse complement: EMC1 is on the minus strand). VCF-style (leftmost placement, unchanged base first): chr1-19219316-C-CG. GRCh37 (hg19) VCF-style: chr1-19545810-C-CG.
Other names: c.2965dup, p.Arg989fs (NM_001271427.2, NM_001271428.2); c.2902dup, p.Arg968fs (NM_001271429.2); c.2977dup, p.Arg993fs (NM_001375820.1); c.2974dup, p.Arg992fs (NM_001375821.1); c.2968dup (NM_015047.2); short protein forms R968fs, R990fs, R989fs, R992fs, R993fs.
Identifiers: ClinVar variation 2845450 (VCV002845450.4), dbSNP rs1558088196, ClinGen allele CA521511378.